The following is an entry in ClinVar:

ClinVar aggregate classification (germline): Uncertain significance. Review status: criteria provided, multiple submitters, no conflicts (2 of 4 stars). 2 submissions from 2 submitters: Uncertain significance (2). Last evaluated 2025-09-10.

Conditions:
Hereditary pancreatitis (PCTT). Also called: Hereditary chronic pancreatitis; PRSS1-Related Hereditary Pancreatitis. Identifiers: Orphanet 676, MedGen C0238339, MONDO:0008185, OMIM 167800.

Allele frequency attached by ClinVar (database versions not stated): gnomAD exomes 0.00001.

Submissions (2):

Ambry Genetics
Classification: Uncertain significance for Hereditary pancreatitis. Last evaluated: 2025-09-10. Review status: criteria provided, single submitter. Criteria: Ambry Variant Classification Scheme 2023. Collection method: clinical testing. Allele origin: germline.
Comment: The p.G217S variant (also known as c.649G>A), located in coding exon 5 of the PRSS1 gene, results from a G to A substitution at nucleotide position 649. The glycine at codon 217 is replaced by serine, an amino acid with similar properties. This amino acid position is highly conserved in available vertebrate species. In addition, this alteration is predicted to be deleterious by in silico analysis. Since supporting evidence is limited at this time, the clinical significance of this alteration remains unclear.

Labcorp Genetics (formerly Invitae), Labcorp
Classification: Uncertain significance for Hereditary pancreatitis. Last evaluated: 2023-03-03. Review status: criteria provided, single submitter. Criteria: Invitae Variant Classification Sherloc (09022015). Collection method: clinical testing. Allele origin: germline.
Comment: In summary, the available evidence is currently insufficient to determine the role of this variant in disease. Therefore, it has been classified as a Variant of Uncertain Significance. Advanced modeling of protein sequence and biophysical properties (such as structural, functional, and spatial information, amino acid conservation, physicochemical variation, residue mobility, and thermodynamic stability) performed at Invitae indicates that this missense variant is not expected to disrupt PRSS1 protein function. ClinVar contains an entry for this variant (Variation ID: 1753874). This variant has not been reported in the literature in individuals affected with PRSS1-related conditions. The frequency data for this variant in the population databases is considered unreliable, as metrics indicate poor data quality at this position in the gnomAD database. This sequence change replaces glycine, which is neutral and non-polar, with serine, which is neutral and polar, at codon 217 of the PRSS1 protein (p.Gly217Ser).

NM_002769.5(PRSS1):c.649G>A (p.Gly217Ser)

Genes: PRSS1 (serine protease 1; plus strand), TRB (T cell receptor beta locus; plus strand). Cytogenetic location: 7q34.
Variant type: single nucleotide variant.
Coding change: c.649G>A on transcript NM_002769.5 (MANE Select); coding-DNA position 649, G replaced by A.
Protein change: p.Gly217Ser; replaces glycine 217 with serine.
Molecular consequence: missense variant. On other transcripts: non-coding transcript variant (5).
Genome position (GRCh38, 1-based): chr7:142,752,925, G>A. VCF-style: chr7-142752925-G-A. GRCh37 (hg19) VCF-style: chr7-142460776-G-A.
Other names: short protein forms G217S.
Identifiers: ClinVar variation 1753874 (VCV001753874.7), dbSNP rs1310865247, ClinGen allele CA369610698.
Genomic context (GRCh38, chr7:142,752,925, plus strand): 5'-CAGGGTGATTCTGGTGGCCCTGTGGTCTGCAATGGACAGCTCCAAGGAGTTGTCTCCTGG[G>A]GTGATGGCTGTGCCCAGAAGAACAAGCCTGGAGTCTACACCAAGGTCTACAACTATGTGA-3'
Protein context (NP_002760.1, residues 207-227): NGQLQGVVSW[Gly217Ser]DGCAQKNKPG